The following is an entry in ClinVar:

ClinVar aggregate classification (germline): Likely benign (1 of 4 stars; one submission).

Allele frequency attached by ClinVar (database versions not stated): TOPMed 0.00010; gnomAD 0.00014; ExAC 0.00021; gnomAD exomes 0.00021; ESP Exome Variant Server 0.00028.
gnomAD v4.1: 238 of 1,202,957 alleles (0.02%); highest among the groups gnomAD compares: South Asian, 0.097%; no homozygotes.

Submission:

CeGaT Center for Human Genetics Tuebingen
Classification: Likely benign. Last evaluated: 2024-03-01. Review status: criteria provided, single submitter. Criteria: CeGaT Center For Human Genetics Tuebingen Variant Classification Criteria Version 2. Collection method: clinical testing. Allele origin: germline. Affected: yes. Observed: 1 variant allele.
Comment: NKAP: BP4, BS2

NM_024528.4(NKAP):c.673+7A>G

Gene: NKAP (NFKB activating protein; minus strand). Cytogenetic location: Xq24.
Variant type: single nucleotide variant.
Coding change: c.673+7A>G on transcript NM_024528.4 (MANE Select); 7 bases into the intron after coding-DNA position 673, A replaced by G.
Molecular consequence: intron variant.
Genome position (GRCh38, 1-based): chrX:119,936,290, T>C on the plus strand (A>G on the coding strand, the complement: NKAP is on the minus strand). VCF-style: chrX-119936290-T-C. GRCh37 (hg19) VCF-style: chrX-119070253-T-C.
Identifiers: ClinVar variation 3067310 (VCV003067310.21), dbSNP rs369058062, ClinGen allele CA10503821.